The following is an entry in ClinVar:

ClinVar aggregate classification (germline): Pathogenic/Likely pathogenic. Review status: criteria provided, multiple submitters, no conflicts (2 of 4 stars). 2 submissions from 2 submitters: Pathogenic (1); Likely pathogenic (1). Last evaluated 2025-10-02.

Conditions:
Cornelia de Lange syndrome 1 (CDLS1). Also called: NIPBL-Related Cornelia de Lange Syndrome; Brachmann de Lange syndrome; TYPUS DEGENERATIVUS AMSTELODAMENSIS. Identifiers: Orphanet 199, MedGen C4551851, MONDO:0007387, OMIM 122470.

Submissions (2):

Labcorp Genetics (formerly Invitae), Labcorp
Classification: Pathogenic for Cornelia de Lange syndrome 1. Last evaluated: 2025-10-02. Review status: criteria provided, single submitter. Criteria: Invitae Variant Classification Sherloc (09022015). Collection method: clinical testing. Allele origin: germline.
Comment: This sequence change replaces methionine, which is neutral and non-polar, with threonine, which is neutral and polar, at codon 2207 of the NIPBL protein (p.Met2207Thr). This variant is not present in population databases (gnomAD no frequency). This missense change has been observed in individual(s) with clinical features of Cornelia de Lange syndrome (PMID: 31337854; internal data). In at least one individual the variant was observed to be de novo. ClinVar contains an entry for this variant (Variation ID: 943656). Invitae Evidence Modeling of protein sequence and biophysical properties (such as structural, functional, and spatial information, amino acid conservation, physicochemical variation, residue mobility, and thermodynamic stability) has been performed for this missense variant. However, the output from this modeling did not meet the statistical confidence thresholds required to predict the impact of this variant on NIPBL protein function. For these reasons, this variant has been classified as Pathogenic.

GeneDx
Classification: Likely pathogenic. Last evaluated: 2025-03-18. Review status: criteria provided, single submitter. Criteria: GeneDx Variant Classification Process June 2021. Collection method: clinical testing. Allele origin: germline. Affected: yes.
Comment: Not observed at significant frequency in large population cohorts (gnomAD); In silico analysis supports that this missense variant has a deleterious effect on protein structure/function; This variant is associated with the following publications: (PMID: 31337854, 36041635)

Literature cited by the submitters: PubMed 31337854 (cited by Labcorp Genetics (formerly Invitae), Labcorp).

NM_133433.4(NIPBL):c.6620T>C (p.Met2207Thr)

Gene: NIPBL (NIPBL cohesin loading factor; plus strand). Cytogenetic location: 5p13.2.
Variant type: single nucleotide variant.
Coding change: c.6620T>C on transcript NM_133433.4 (MANE Select); coding-DNA position 6620, T replaced by C.
Protein change: p.Met2207Thr; replaces methionine 2207 with threonine.
Molecular consequence: missense variant.
Genome position (GRCh38, 1-based): chr5:37,048,532, T>C. VCF-style: chr5-37048532-T-C. GRCh37 (hg19) VCF-style: chr5-37048634-T-C.
Other names: c.6620T>C, p.Met2207Thr (NM_015384.5); short protein forms M2207T.
Identifiers: ClinVar variation 943656 (VCV000943656.10), dbSNP rs1753199066, ClinGen allele CA359507931.